The following is an entry in ClinVar:

NM_002474.3(MYH11):c.3399C>G (p.Ala1133=)

Gene: MYH11 (myosin heavy chain 11; minus strand). Cytogenetic location: 16p13.11.
Variant type: single nucleotide variant.
Coding change: c.3399C>G on transcript NM_002474.3 (MANE Select); coding-DNA position 3399, C replaced by G.
Protein change: p.Ala1133=; no amino-acid change (alanine 1133 retained).
Molecular consequence: synonymous variant.
Genome position (GRCh38, 1-based): chr16:15,735,473, G>C on the plus strand (C>G on the coding strand, the complement: MYH11 is on the minus strand). VCF-style: chr16-15735473-G-C. GRCh37 (hg19) VCF-style: chr16-15829330-G-C.
Other names: c.3399C>G, p.Ala1133= (NM_022844.3); c.3420C>G, p.Ala1140= (NM_001040114.2, NM_001040113.2).
Identifiers: ClinVar variation 3075429 (VCV003075429.1), dbSNP rs2506177180, ClinGen allele CA493777260.

ClinVar aggregate classification (germline): Likely benign (1 of 4 stars; one submission).

Conditions:
Familial thoracic aortic aneurysm and aortic dissection (TAAD). Also called: Thoracic aortic aneurysms and dissections. Identifiers: Orphanet 91387, MedGen C4707243, MONDO:0019625.

Submission:

All of Us Research Program, National Institutes of Health
Classification: Likely benign for Familial thoracic aortic aneurysm and aortic dissection. Last evaluated: 2024-02-05. Review status: criteria provided, single submitter. Criteria: ACMG Guidelines, 2015. Collection method: clinical testing. Allele origin: germline. Inheritance: Autosomal dominant inheritance. Observed: 1 variant allele, 1 heterozygote.
Comment: This study involves interpretation of variants in research participants for the purpose of population health screening. Participant phenotype was not available at the time of variant classification. Additional details can be found in publication PMID: 35346344, PMCID: PMC8962531